The following is an entry in ClinVar:

NM_025132.4(WDR19):c.3188G>A (p.Gly1063Asp)

Gene: WDR19 (WD repeat domain 19; plus strand). Cytogenetic location: 4p14.
Variant type: single nucleotide variant.
Coding change: c.3188G>A on transcript NM_025132.4 (MANE Select); coding-DNA position 3188, G replaced by A.
Protein change: p.Gly1063Asp; replaces glycine 1063 with aspartic acid.
Molecular consequence: missense variant.
Genome position (GRCh38, 1-based): chr4:39,266,067, G>A. VCF-style: chr4-39266067-G-A. GRCh37 (hg19) VCF-style: chr4-39267687-G-A.
Other names: c.2708G>A, p.Gly903Asp (NM_001317924.2); short protein forms G1063D, G903D.
Identifiers: ClinVar variation 1015379 (VCV001015379.9), dbSNP rs760222006, ClinGen allele CA2892299.
Genomic context (GRCh38, chr4:39,266,067, plus strand): 5'-ACTCTTGCTCGGTTTAAGATGCTGAATTTGCTGGGTTTTTCTCTCTTATTAAACAGGTTG[G>A]TCAGGCCAAAGATGAACTGCTGACCAATCAGCTGATAGACCATCTCCTGGGGGAGAACGA-3'
Protein context (NP_079408.3, residues 1053-1073): VAIEMAIETV[Gly1063Asp]QAKDELLTNQ

ClinVar aggregate classification (germline): Uncertain significance. Review status: criteria provided, multiple submitters, no conflicts (2 of 4 stars). 2 submissions from 2 submitters: Uncertain significance (2). Last evaluated 2024-03-14.

Conditions:
Senior-Loken syndrome 8 (SLSN8). Identifiers: Orphanet 3156, MedGen C4225376, MONDO:0014579, OMIM 616307.
Asphyxiating thoracic dystrophy 5 (SRTD5). Also called: SHORT-RIB THORACIC DYSPLASIA 5 WITH OR WITHOUT POLYDACTYLY; SHORT-RIB THORACIC DYSPLASIA 5 WITHOUT POLYDACTYLY. Identifiers: Orphanet 474, MedGen C3280598, MONDO:0013717, OMIM 614376.
Nephronophthisis 13 (NPHP13). Identifiers: Orphanet 655, MedGen C3280612, MONDO:0013718, OMIM 614377.
Cranioectodermal dysplasia 4 (CED4). Identifiers: Orphanet 1515, MedGen C3280616, MONDO:0013719, OMIM 614378.
Spermatogenic failure 72 (SPGF72). Identifiers: MedGen C5676980, MONDO:0030809, OMIM 619867.

Allele frequency attached by ClinVar (database versions not stated): gnomAD exomes below 0.00001 and 0.00001; ExAC 0.00004.
gnomAD v4.1: 1 of 1,554,160 alleles (0.000064%); highest among the groups gnomAD compares: Non-Finnish European, 0.000087%; no homozygotes.

Submissions (2):

Fulgent Genetics
Classification: Uncertain significance for Asphyxiating thoracic dystrophy 5; Nephronophthisis 13; Cranioectodermal dysplasia 4; Senior-Loken syndrome 8; Spermatogenic failure 72. Last evaluated: 2024-03-14. Review status: criteria provided, single submitter. Criteria: ACMG Guidelines, 2015. Collection method: clinical testing. Allele origin: germline.

Labcorp Genetics (formerly Invitae), Labcorp
Classification: Uncertain significance for Senior-Loken syndrome 8; Asphyxiating thoracic dystrophy 5. Last evaluated: 2022-09-27. Review status: criteria provided, single submitter. Criteria: Invitae Variant Classification Sherloc (09022015). Collection method: clinical testing. Allele origin: germline.
Comment: In summary, the available evidence is currently insufficient to determine the role of this variant in disease. Therefore, it has been classified as a Variant of Uncertain Significance. Advanced modeling of protein sequence and biophysical properties (such as structural, functional, and spatial information, amino acid conservation, physicochemical variation, residue mobility, and thermodynamic stability) has been performed at Invitae for this missense variant, however the output from this modeling did not meet the statistical confidence thresholds required to predict the impact of this variant on WDR19 protein function. ClinVar contains an entry for this variant (Variation ID: 1015379). This variant has not been reported in the literature in individuals affected with WDR19-related conditions. The frequency data for this variant in the population databases is considered unreliable, as metrics indicate poor data quality at this position in the gnomAD database. This sequence change replaces glycine, which is neutral and non-polar, with aspartic acid, which is acidic and polar, at codon 1063 of the WDR19 protein (p.Gly1063Asp).